The following is an entry in ClinVar:

NM_000368.5(TSC1):c.1849C>T (p.His617Tyr)

Gene: TSC1 (TSC complex subunit 1; minus strand). Cytogenetic location: 9q34.13.
Variant type: single nucleotide variant.
Coding change: c.1849C>T on transcript NM_000368.5 (MANE Select); coding-DNA position 1849, C replaced by T.
Protein change: p.His617Tyr; replaces histidine 617 with tyrosine.
Molecular consequence: missense variant.
Genome position (GRCh38, 1-based): chr9:132,905,729, G>A on the plus strand (C>T on the coding strand, the complement: TSC1 is on the minus strand). VCF-style: chr9-132905729-G-A. GRCh37 (hg19) VCF-style: chr9-135781116-G-A.
Other names: c.1846C>T, p.His616Tyr (NM_001162426.2); c.1696C>T, p.His566Tyr (NM_001162427.2); c.1486C>T, p.His496Tyr (NM_001362177.2); short protein forms H566Y, H616Y, H617Y, H496Y.
Identifiers: ClinVar variation 942024 (VCV000942024.10), dbSNP rs397514854, ClinGen allele CA375363151.

ClinVar aggregate classification (germline): Uncertain significance. Review status: criteria provided, multiple submitters, no conflicts (2 of 4 stars). 2 submissions from 2 submitters: Uncertain significance (2). Last evaluated 2024-12-03.

Conditions:
Hereditary cancer-predisposing syndrome. Also called: Neoplastic Syndromes, Hereditary; Hereditary neoplastic syndrome; Hereditary Cancer Syndrome; Tumor predisposition. Identifiers: Orphanet 140162, MedGen C0027672, MeSH D009386, MONDO:0015356.
Tuberous sclerosis 1 (TSC1). Identifiers: Orphanet 805, MedGen C1854465, MONDO:0008612, OMIM 191100.

Allele frequency attached by ClinVar (database versions not stated): gnomAD 0.00001.
gnomAD v4.1: 1 of 1,614,010 alleles (0.000062%); highest among the groups gnomAD compares: East Asian, 0.0022%; no homozygotes.

Submissions (2):

Ambry Genetics
Classification: Uncertain significance for Hereditary cancer-predisposing syndrome. Last evaluated: 2024-12-03. Review status: criteria provided, single submitter. Criteria: Ambry Variant Classification Scheme 2023. Collection method: clinical testing. Allele origin: germline.

Labcorp Genetics (formerly Invitae), Labcorp
Classification: Uncertain significance for Tuberous sclerosis 1. Last evaluated: 2019-09-01. Review status: criteria provided, single submitter. Criteria: Invitae Variant Classification Sherloc (09022015). Collection method: clinical testing. Allele origin: germline.
Comment: This variant has not been reported in the literature in individuals with TSC1-related conditions. Algorithms developed to predict the effect of missense changes on protein structure and function output the following: SIFT: "Tolerated"; PolyPhen-2: "Benign"; Align-GVGD: "Class C0". The tyrosine amino acid residue is found in multiple mammalian species, suggesting that this missense change does not adversely affect protein function. These predictions have not been confirmed by published functional studies and their clinical significance is uncertain. This variant is not present in population databases (ExAC no frequency). In summary, the available evidence is currently insufficient to determine the role of this variant in disease. Therefore, it has been classified as a Variant of Uncertain Significance. This sequence change replaces histidine with tyrosine at codon 617 of the TSC1 protein (p.His617Tyr). The histidine residue is weakly conserved and there is a moderate physicochemical difference between histidine and tyrosine.